The following is an entry in ClinVar:

ClinVar aggregate classification (germline): Uncertain significance (1 of 4 stars; one submission).

gnomAD v4.1: 2 of 1,607,846 alleles (0.00012%); highest among the groups gnomAD compares: East Asian, 0.0045%; no homozygotes.

Submission:

Labcorp Genetics (formerly Invitae), Labcorp
Classification: Uncertain significance. Last evaluated: 2025-10-27. Review status: criteria provided, single submitter. Criteria: Invitae Variant Classification Sherloc (09022015). Collection method: clinical testing. Allele origin: germline.
Comment: This sequence change replaces proline, which is neutral and non-polar, with alanine, which is neutral and non-polar, at codon 99 of the NAF1 protein (p.Pro99Ala). This variant is not present in population databases (gnomAD no frequency). This variant has not been reported in the literature in individuals affected with NAF1-related conditions. An algorithm developed to predict the effect of missense changes on protein structure and function outputs the following: PolyPhen-2: "Benign". The alanine amino acid residue is found in multiple mammalian species, which suggests that this missense change does not adversely affect protein function. In summary, the available evidence is currently insufficient to determine the role of this variant in disease. Therefore, it has been classified as a Variant of Uncertain Significance.

NM_138386.3(NAF1):c.295C>G (p.Pro99Ala)

Gene: NAF1 (nuclear assembly factor 1 ribonucleoprotein; minus strand). Cytogenetic location: 4q32.2.
Variant type: single nucleotide variant.
Coding change: c.295C>G on transcript NM_138386.3 (MANE Select); coding-DNA position 295, C replaced by G.
Protein change: p.Pro99Ala; replaces proline 99 with alanine.
Molecular consequence: missense variant.
Genome position (GRCh38, 1-based): chr4:163,166,433, G>C on the plus strand (C>G on the coding strand, the complement: NAF1 is on the minus strand). VCF-style: chr4-163166433-G-C. GRCh37 (hg19) VCF-style: chr4-164087585-G-C.
Other names: c.295C>G, p.Pro99Ala (NM_001128931.2); short protein forms P99A.
Identifiers: ClinVar variation 4769433 (VCV004769433.1).